The following is an entry in ClinVar:

ClinVar aggregate classification (germline): Uncertain significance (1 of 4 stars; one submission).

Conditions:
Holoprosencephaly 3 (HPE3). Identifiers: Orphanet 2162, MedGen C1840529, MONDO:0007733, OMIM 142945.

Submission:

Labcorp Genetics (formerly Invitae), Labcorp
Classification: Uncertain significance for Holoprosencephaly 3. Last evaluated: 2024-05-15. Review status: criteria provided, single submitter. Criteria: Invitae Variant Classification Sherloc (09022015). Collection method: clinical testing. Allele origin: germline.
Comment: This variant occurs in a non-coding region of the SHH gene. It does not change the encoded amino acid sequence of the SHH protein. This variant is not present in population databases (gnomAD no frequency). This variant has not been reported in the literature in individuals affected with SHH-related conditions. In summary, the available evidence is currently insufficient to determine the role of this variant in disease. Therefore, it has been classified as a Variant of Uncertain Significance.

NC_000007.14:g.156769464A>G

Genes: LMBR1 (limb development membrane protein 1; minus strand), SHH (sonic hedgehog signaling molecule; minus strand). Cytogenetic location: 7q36.3.
Variant type: single nucleotide variant.
Molecular consequence: intron variant (on NM_022458.4).
Genome position: GRCh38 VCF-style: chr7-156769464-A-G. GRCh37 (hg19) VCF-style: chr7-156562158-A-G.
Other names: c.361-5669T>C (NM_001363412.2); c.145-5669T>C (NM_001350954.2); c.424-5669T>C (NM_001363410.2, NM_022458.4, NM_001363409.2 and 1 more transcripts); c.-33-5669T>C (NM_001350958.2, NM_001350956.2, NM_001350955.2 and 1 more transcripts); c.55-5669T>C (NM_001350957.2, NM_001363411.2).
Identifiers: ClinVar variation 2855586 (VCV002855586.3), dbSNP rs2535839941, ClinGen allele CA2739278914.
Genomic context (GRCh38, chr7:156,769,464, plus strand): 5'-GTAATGTAATTACCAGGGGCCCTTCCTCCTCCGCCTCCCTCTCACCACTGAGTTGAGCAC[A>G]TCCACCACCAGATCTGAAGGTCTTTTCATATCACTAAACCTGGAATACAAGGTCCTTGTT-3'